The following is an entry in ClinVar:

NM_003482.4(KMT2D):c.13269A>G (p.Pro4423=)

Gene: KMT2D (lysine methyltransferase 2D; minus strand). Cytogenetic location: 12q13.12.
Variant type: single nucleotide variant.
Coding change: c.13269A>G on transcript NM_003482.4 (MANE Select); coding-DNA position 13269, A replaced by G.
Protein change: p.Pro4423=; no amino-acid change (proline 4423 retained).
Molecular consequence: synonymous variant.
Genome position (GRCh38, 1-based): chr12:49,031,436, T>C on the plus strand (A>G on the coding strand, the complement: KMT2D is on the minus strand). VCF-style: chr12-49031436-T-C. GRCh37 (hg19) VCF-style: chr12-49425219-T-C.
Identifiers: ClinVar variation 4982411 (VCV004982411.1).

ClinVar aggregate classification (germline): Likely benign (1 of 4 stars; one submission).

Conditions:
KMT2D-related disorder. Also called: KMT2D-Related Disorders.

gnomAD v4.1: 6 of 1,613,766 alleles (0.00037%); highest among the groups gnomAD compares: African/African-American, 0.0013%; no homozygotes.

Submission:

PreventionGenetics, part of Exact Sciences
Classification: Likely benign for KMT2D-related condition. Last evaluated: 2025-01-22. Review status: criteria provided, single submitter. Criteria: ACMG Guidelines, 2015. Collection method: clinical testing. Allele origin: germline.
Comment: This variant is classified as likely benign based on ACMG/AMP sequence variant interpretation guidelines (Richards et al. 2015 PMID: 25741868, with internal and published modifications).